The following is an entry in ClinVar:

ClinVar aggregate classification (germline): Likely pathogenic. Review status: criteria provided, multiple submitters, no conflicts (2 of 4 stars). 3 submissions from 3 submitters: Likely pathogenic (3). Last evaluated 2025-08-19.

Conditions:
Renal tubular acidosis, distal, 3, with or without sensorineural hearing loss (DRTA3). Identifiers: MedGen C5399980, MONDO:0011268, OMIM 602722.

gnomAD v4.1: 4 of 1,614,166 alleles (0.00025%); highest among the groups gnomAD compares: Admixed American, 0.0067%; no homozygotes.

Submissions (3):

Labcorp Genetics (formerly Invitae), Labcorp
Classification: Likely pathogenic. Last evaluated: 2025-08-19. Review status: criteria provided, single submitter. Criteria: Invitae Variant Classification Sherloc (09022015). Collection method: clinical testing. Allele origin: germline.
Comment: This sequence change affects a donor splice site in intron 15 of the ATP6V0A4 gene. It is expected to disrupt RNA splicing. Variants that disrupt the donor or acceptor splice site typically lead to a loss of protein function (PMID: 16199547), and loss-of-function variants in ATP6V0A4 are known to be pathogenic (PMID: 12414817, 16611712). This variant is present in population databases (rs768401223, gnomAD 0.01%). This variant has not been reported in the literature in individuals affected with ATP6V0A4-related conditions. ClinVar contains an entry for this variant (Variation ID: 3594326). Algorithms developed to predict the effect of sequence changes on RNA splicing suggest that this variant may disrupt the consensus splice site. In summary, the currently available evidence indicates that the variant is pathogenic, but additional data are needed to prove that conclusively. Therefore, this variant has been classified as Likely Pathogenic.

3billion
Classification: Likely pathogenic for Renal tubular acidosis, distal, 3, with or without sensorineural hearing loss. Last evaluated: 2024-08-07. Review status: criteria provided, single submitter. Criteria: ACMG Guidelines, 2015. Collection method: clinical testing. Allele origin: germline. Affected: yes.
Comment: The variant is observed at an extremely low frequency in the gnomAD v4.0.0 dataset (total allele frequency: <0.001%). Predicted Consequence/Location: Canonical splice site: predicted to alter splicing and result in a loss or disruption of normal protein function. Multiple pathogenic loss-of-function variants are reported downstream of the variant. In silico tools predict the variant to alter splicing and produce an abnormal transcript [SpliceAI: 0.94 (spliceogenicity >=0.2, non-spliceogenicity <0.1)]. Therefore, this variant is classified as Likely pathogenic according to the recommendation of ACMG/AMP guideline.

Fulgent Genetics
Classification: Likely pathogenic for Renal tubular acidosis, distal, 3, with or without sensorineural hearing loss. Last evaluated: 2024-03-19. Review status: criteria provided, single submitter. Criteria: ACMG Guidelines, 2015. Collection method: clinical testing. Allele origin: germline.

Literature cited by the submitters: PubMed 16199547 (cited by Labcorp Genetics (formerly Invitae), Labcorp); PubMed 12414817 (cited by Labcorp Genetics (formerly Invitae), Labcorp); PubMed 16611712 (cited by Labcorp Genetics (formerly Invitae), Labcorp).

NM_020632.3(ATP6V0A4):c.1572+2T>C

Gene: ATP6V0A4 (ATPase H+ transporting V0 subunit a4; minus strand). Cytogenetic location: 7q34.
Variant type: single nucleotide variant.
Coding change: c.1572+2T>C on transcript NM_020632.3 (MANE Select); the canonical splice donor site of the intron after coding-DNA position 1572, T replaced by C.
Molecular consequence: splice donor variant.
Genome position (GRCh38, 1-based): chr7:138,739,538, A>G on the plus strand (T>C on the coding strand, the complement: ATP6V0A4 is on the minus strand). VCF-style: chr7-138739538-A-G. GRCh37 (hg19) VCF-style: chr7-138424283-A-G.
Other names: c.1572+2T>C (NM_130840.3, NM_130841.3).
Identifiers: ClinVar variation 3594326 (VCV003594326.4).